The following is an entry in ClinVar:

ClinVar aggregate classification (germline): Uncertain significance (1 of 4 stars; one submission).

Submission:

Dasa
Classification: Uncertain significance. Last evaluated: 2025-08-09. Review status: criteria provided, single submitter. Criteria: DASA Assertion Criteria. Collection method: clinical testing. Allele origin: germline.
Comment: NM_001004334.4(GPR179):c.2926del (p.Leu976Trpfs*62) is a frameshift variant in GPR179 predicted to alter the reading frame and introduce a premature termination codon and is predicted to result in an absent or altered protein product. This variant is rare in population databases. The currently available literature and clinical evidence are not sufficient to establish a definitive association between this variant and the reported condition. Therefore, this variant is classified as a variant of uncertain significance.

NM_001004334.4(GPR179):c.2926del (p.Leu976fs)

Gene: GPR179 (G protein-coupled receptor 179; minus strand). Cytogenetic location: 17q12.
Variant type: Deletion.
Coding change: c.2926del on transcript NM_001004334.4 (MANE Select); coding-DNA position 2926, one base deleted (C; older notation c.2926delC).
Protein change: p.Leu976fs; shifts the reading frame from leucine 976.
Molecular consequence: frameshift variant.
Genome position (GRCh38, 1-based): chr17:38,330,643, G deleted on the plus strand (C on the coding strand, the reverse complement: GPR179 is on the minus strand); the first of 3 consecutive G bases (chr17:38,330,643-38,330,645); deleting any one gives the same sequence. VCF-style (leftmost placement, unchanged base first): chr17-38330642-AG-A. GRCh37 (hg19) VCF-style: chr17-36486525-AG-A.
Other names: short protein forms L976fs.
Identifiers: ClinVar variation 4883932 (VCV004883932.2).
Genomic context (GRCh38, chr17:38,330,642, plus strand): 5'-TCCCAGGGGCAGATGTAGGTGAGTAAGTTGGGGCTTTGTGGGGATACTGGGACTGGTGCC[AG>A]GGCAGGGGCTGGGGTTGGAGCTAGAGCTGGCAGCAGAGCTGGAGCCAAGGTGGAGGTGGG-3'